The following is an entry in ClinVar:

NM_001139.3(ALOX12B):c.1412T>C (p.Leu471Pro)

Gene: ALOX12B (arachidonate 12-lipoxygenase, 12R type; minus strand). Cytogenetic location: 17p13.1.
Variant type: single nucleotide variant.
Coding change: c.1412T>C on transcript NM_001139.3 (MANE Select); coding-DNA position 1412, T replaced by C.
Protein change: p.Leu471Pro; replaces leucine 471 with proline.
Molecular consequence: missense variant.
Genome position (GRCh38, 1-based): chr17:8,076,295, A>G on the plus strand (T>C on the coding strand, the complement: ALOX12B is on the minus strand). VCF-style: chr17-8076295-A-G. GRCh37 (hg19) VCF-style: chr17-7979613-A-G.
Other names: short protein forms L471P.
Identifiers: ClinVar variation 1303494 (VCV001303494.2), dbSNP rs2151821808, ClinGen allele CA397990728.

ClinVar aggregate classification (germline): Uncertain significance (1 of 4 stars; one submission).

Submission:

GeneDx
Classification: Uncertain significance. Last evaluated: 2019-11-21. Review status: criteria provided, single submitter. Criteria: GeneDx Variant Classification Process June 2021. Collection method: clinical testing. Allele origin: germline. Affected: yes.
Comment: Not observed in large population cohorts (Lek et al., 2016); In silico analysis, which includes protein predictors and evolutionary conservation, supports a deleterious effect; This variant is associated with the following publications: (PMID: 26762237)